The following is an entry in ClinVar:

NM_001008212.2(OPTN):c.1613-3C>T

Gene: OPTN (optineurin; plus strand). Cytogenetic location: 10p13.
Variant type: single nucleotide variant.
Coding change: c.1613-3C>T on transcript NM_001008212.2 (MANE Select); 3 bases into the intron before coding-DNA position 1613, C replaced by T.
Molecular consequence: intron variant.
Genome position (GRCh38, 1-based): chr10:13,136,742, C>T. VCF-style: chr10-13136742-C-T. GRCh37 (hg19) VCF-style: chr10-13178742-C-T.
Other names: c.1613-3C>T (NM_001008211.1, NM_001008213.1, NM_021980.4).
Identifiers: ClinVar variation 1375880 (VCV001375880.6), dbSNP rs2131534998, ClinGen allele CA2573144978.

ClinVar aggregate classification (germline): Uncertain significance (1 of 4 stars; one submission).

Conditions:
Primary open angle glaucoma (POAG). Also called: OPTN-related open angle glaucoma. Identifiers: MedGen C0339573, MONDO:0100553, OMIM 137760.
Amyotrophic lateral sclerosis type 12 (ALS12). Also called: AMYOTROPHIC LATERAL SCLEROSIS 12 WITH OR WITHOUT FRONTOTEMPORAL DEMENTIA. Identifiers: Orphanet 803, MedGen C3150692, MONDO:0013264, OMIM 613435.
Glaucoma 1, open angle, E. Identifiers: MedGen C1842026, MONDO:0007665.

Allele frequency attached by ClinVar (database versions not stated): gnomAD exomes below 0.00001.
gnomAD v4.1: 1 of 1,613,912 alleles (0.000062%); highest among the groups gnomAD compares: Non-Finnish European, 0.000085%; no homozygotes.

Submission:

Labcorp Genetics (formerly Invitae), Labcorp
Classification: Uncertain significance for Primary open angle glaucoma; Glaucoma 1, open angle, E; Amyotrophic lateral sclerosis type 12. Last evaluated: 2021-08-18. Review status: criteria provided, single submitter. Criteria: Invitae Variant Classification Sherloc (09022015). Collection method: clinical testing. Allele origin: germline.
Comment: This sequence change falls in intron 13 of the OPTN gene. It does not directly change the encoded amino acid sequence of the OPTN protein. It affects a nucleotide within the consensus splice site of the intron. This variant is not present in population databases (ExAC no frequency). This variant has not been reported in the literature in individuals affected with OPTN-related conditions. Variants that disrupt the consensus splice site are a relatively common cause of aberrant splicing (PMID: 17576681, 9536098). Algorithms developed to predict the effect of sequence changes on RNA splicing suggest that this variant is not likely to affect RNA splicing. In summary, the available evidence is currently insufficient to determine the role of this variant in disease. Therefore, it has been classified as a Variant of Uncertain Significance.

Literature cited by the submitters: PubMed 17576681; PubMed 9536098.